The following is an entry in ClinVar:

NC_000017.10:g.(?_40762106)_(40767059_?)dup

Gene: TUBG1 (tubulin gamma 1; plus strand). Cytogenetic location: 17q21.2.
Variant type: Duplication.
Identifiers: ClinVar variation 3243133 (VCV003243133.1).

ClinVar aggregate classification (germline): Uncertain significance (1 of 4 stars; one submission).

Submission:

Labcorp Genetics (formerly Invitae), Labcorp
Classification: Uncertain significance. Last evaluated: 2023-07-28. Review status: criteria provided, single submitter. Criteria: Invitae Variant Classification Sherloc (09022015). Collection method: clinical testing. Allele origin: unknown.
Comment: In summary, the available evidence is currently insufficient to determine the role of this variant in disease. Therefore, it has been classified as a Variant of Uncertain Significance. This variant has not been reported in the literature in individuals affected with TUBG1-related conditions. This variant results in a copy number gain of the genomic region encompassing exon(s) 2-11 of the TUBG1 gene. This region includes the termination codon of the gene. This copy number gain extends beyond the assayed region for this gene and therefore may encompass additional genes. As the precise location of this event is unknown, it may be in tandem or it may be located elsewhere in the genome.